The following is an entry in ClinVar:

ClinVar aggregate classification (germline): Uncertain significance (1 of 4 stars; one submission).

gnomAD v4.1: 2 of 1,612,656 alleles (0.00012%); highest among the groups gnomAD compares: Non-Finnish European, 0.00017%; no homozygotes.

Submission:

Labcorp Genetics (formerly Invitae), Labcorp
Classification: Uncertain significance. Last evaluated: 2024-04-20. Review status: criteria provided, single submitter. Criteria: Invitae Variant Classification Sherloc (09022015). Collection method: clinical testing. Allele origin: germline.
Comment: This sequence change replaces histidine, which is basic and polar, with glutamine, which is neutral and polar, at codon 278 of the TAOK2 protein (p.His278Gln). This variant is not present in population databases (gnomAD no frequency). This variant has not been reported in the literature in individuals affected with TAOK2-related conditions. An algorithm developed to predict the effect of missense changes on protein structure and function (PolyPhen-2) suggests that this variant is likely to be disruptive. Algorithms developed to predict the effect of sequence changes on RNA splicing suggest that this variant may create or strengthen a splice site. In summary, the available evidence is currently insufficient to determine the role of this variant in disease. Therefore, it has been classified as a Variant of Uncertain Significance.

NM_016151.4(TAOK2):c.834C>G (p.His278Gln)

Gene: TAOK2 (TAO kinase 2; plus strand). Cytogenetic location: 16p11.2.
Variant type: single nucleotide variant.
Coding change: c.834C>G on transcript NM_016151.4 (MANE Select); coding-DNA position 834, C replaced by G.
Protein change: p.His278Gln; replaces histidine 278 with glutamine.
Molecular consequence: missense variant.
Genome position (GRCh38, 1-based): chr16:29,982,736, C>G. VCF-style: chr16-29982736-C-G. GRCh37 (hg19) VCF-style: chr16-29994057-C-G.
Other names: c.834C>G, p.His278Gln (NM_001252043.2, NM_004783.4); short protein forms H278Q.
Identifiers: ClinVar variation 3604717 (VCV003604717.2).
Genomic context (GRCh38, chr16:29,982,736, plus strand): 5'-CTGTGGGTTGTGGGGGGAAGGGGAGTTGGCAGCAGACCTCAGTGCCCTCTTCCCCCAGCA[C>G]CGCTTTGTGCTCCGGGAGCGGCCACCCACAGTCATCATGGACCTGATCCAGAGGACCAAG-3'
Protein context (NP_057235.2, residues 268-288): DRPTSEVLLK[His278Gln]RFVLRERPPT